The following is an entry in ClinVar:

NM_000228.3(LAMB3):c.3009C>T (p.Gly1003=)

Gene: LAMB3 (laminin subunit beta 3; minus strand). Cytogenetic location: 1q32.2.
Variant type: single nucleotide variant.
Coding change: c.3009C>T on transcript NM_000228.3 (MANE Select); coding-DNA position 3009, C replaced by T.
Protein change: p.Gly1003=; no amino-acid change (glycine 1003 retained).
Molecular consequence: synonymous variant.
Genome position (GRCh38, 1-based): chr1:209,617,949, G>A on the plus strand (C>T on the coding strand, the complement: LAMB3 is on the minus strand). VCF-style: chr1-209617949-G-A. GRCh37 (hg19) VCF-style: chr1-209791294-G-A.
Other names: c.3009C>T, p.Gly1003= (NM_001017402.2, NM_001127641.1).
Identifiers: ClinVar variation 3366768 (VCV003366768.1).
Genomic context (GRCh38, chr1:209,617,949, plus strand): 5'-GAAGCCATAATGCCTCACCTCAGCAACCCTGTCCTGGATAAGCCGAAGGGAGCGGCTGGT[G>A]CCTTGCATGGTGTCCTGAGCTTCCTGCAGTGCCACTGTCCCCTGCCGCAGGTTCCCAACC-3'
Protein context (NP_000219.2, residues 993-1013): ALQEAQDTMQ[Gly1003=]TSRSLRLIQD

ClinVar aggregate classification (germline): Likely pathogenic (1 of 4 stars; one submission).

Conditions:
Junctional epidermolysis bullosa. Identifiers: Orphanet 305, MedGen C0079301, MONDO:0017612.

Submission:

Women's Health and Genetics/Laboratory Corporation of America, LabCorp
Classification: Likely pathogenic for Junctional epidermolysis bullosa. Last evaluated: 2024-08-15. Review status: criteria provided, single submitter. Criteria: LabCorp Variant Classification Summary - May 2015. Collection method: clinical testing. Allele origin: germline.
Comment: Variant summary: LAMB3 c.3009C>T alters a non-conserved nucleotide resulting in a synonymous change. Several computational tools predict a significant impact on normal splicing: Four predict the variant creates a 5' donor site. At least one publication reports experimental evidence that this variant affects mRNA splicing in patient cells by introducing a cryptic splicing donor site, result in loss of 44 bp from exon 20 and a frameshift leading to nonsense mediated decay (example, Buchroithner_2004). The frequency data for this variant in gnomAD is considered unreliable, as metrics indicate poor data quality at this position. c.3009C>T has been reported in the literature in trans with a pathogenic variant in at least 1 individual affected with Junctional Epidermolysis Bullosa (example, Buchroithner_2004). At least one publication reports experimental evidence evaluating an impact on protein function. Both immunohistochemistry and antigen mapping assays using patient derived skin cells found severely reduced levels of laminin-5 protein (example, Buchroithner_2004). Further, this same reported individual appeared responsive to gene therapy (example, De Rosa_LAMB3_FG_2021). The following publications have been ascertained in the context of this evaluation (PMID: 15311214, 34539738). No submitters have cited clinical-significance assessments for this variant to ClinVar. Based on the evidence outlined above, the variant was classified as likely pathogenic.

Literature cited by the submitters: PubMed 15311214; PubMed 34539738.